The following is an entry in ClinVar:

ClinVar aggregate classification (germline): Uncertain significance. Review status: criteria provided, single submitter (1 of 4 stars). 2 submissions from 2 submitters: Uncertain significance (1). 1 of the submissions does not count toward it. Last evaluated 2025-08-08.

Conditions:
PLXNA1-related disorder. Also called: PLXNA1-related condition.

Allele frequency attached by ClinVar (database versions not stated): gnomAD exomes 0.00004; gnomAD 0.00005; TOPMed 0.00007; ExAC 0.00008; ESP Exome Variant Server 0.00008.

Submissions (2):

Ambry Genetics
Classification: Uncertain significance. Last evaluated: 2025-08-08. Review status: criteria provided, single submitter. Criteria: Ambry Variant Classification Scheme 2023. Collection method: clinical testing. Allele origin: germline.

PreventionGenetics, part of Exact Sciences
Classification: Uncertain significance for PLXNA1-related condition. Last evaluated: 2024-03-22. Review status: no assertion criteria provided. Collection method: clinical testing. Allele origin: germline. Not counted in ClinVar's aggregate classification.
Comment: The PLXNA1 c.1646G>A variant is predicted to result in the amino acid substitution p.Arg549Gln. To our knowledge, this variant has not been reported in the literature. This variant is reported in 0.031% of alleles in individuals of East Asian descent in gnomAD. At this time, the clinical significance of this variant is uncertain due to the absence of conclusive functional and genetic evidence.

NM_032242.4(PLXNA1):c.1646G>A (p.Arg549Gln)

Gene: PLXNA1 (plexin A1; plus strand). Cytogenetic location: 3q21.3.
Variant type: single nucleotide variant.
Coding change: c.1646G>A on transcript NM_032242.4 (MANE Select); coding-DNA position 1646, G replaced by A.
Protein change: p.Arg549Gln; replaces arginine 549 with glutamine.
Molecular consequence: missense variant.
Genome position (GRCh38, 1-based): chr3:127,004,911, G>A. VCF-style: chr3-127004911-G-A. GRCh37 (hg19) VCF-style: chr3-126723754-G-A.
Other names: short protein forms R549Q.
Identifiers: ClinVar variation 2456000 (VCV002456000.4), dbSNP rs375552335, ClinGen allele CA2593322.